The following is an entry in ClinVar:

NM_003072.5(SMARCA4):c.17C>A (p.Pro6Gln)

Gene: SMARCA4 (SWI/SNF related BAF chromatin remodeling complex subunit ATPase 4; plus strand). Cytogenetic location: 19p13.2.
Variant type: single nucleotide variant.
Coding change: c.17C>A on transcript NM_003072.5 (MANE Select); coding-DNA position 17, C replaced by A.
Protein change: p.Pro6Gln; replaces proline 6 with glutamine.
Molecular consequence: missense variant. On other transcripts: non-coding transcript variant (1).
Genome position (GRCh38, 1-based): chr19:10,984,168, C>A. VCF-style: chr19-10984168-C-A. GRCh37 (hg19) VCF-style: chr19-11094844-C-A.
Other names: c.17C>A, p.Pro6Gln (NM_001128844.3, NM_001128845.2, NM_001128846.2 and 4 more transcripts); short protein forms P6Q.
Identifiers: ClinVar variation 961139 (VCV000961139.9), dbSNP rs750113056, ClinGen allele CA404053876.

ClinVar aggregate classification (germline): Uncertain significance (1 of 4 stars; one submission).

Conditions:
Rhabdoid tumor predisposition syndrome 2 (RTPS2). Identifiers: Orphanet 231108, Orphanet 69077, MedGen C2750074, MONDO:0013224, OMIM 613325.

Submission:

Labcorp Genetics (formerly Invitae), Labcorp
Classification: Uncertain significance for Rhabdoid tumor predisposition syndrome 2. Last evaluated: 2019-10-14. Review status: criteria provided, single submitter. Criteria: Invitae Variant Classification Sherloc (09022015). Collection method: clinical testing. Allele origin: germline.
Comment: This sequence change replaces proline with glutamine at codon 6 of the SMARCA4 protein (p.Pro6Gln). The proline residue is highly conserved and there is a moderate physicochemical difference between proline and glutamine. This variant is not present in population databases (ExAC no frequency). This variant has not been reported in the literature in individuals with SMARCA4-related conditions. In summary, the available evidence is currently insufficient to determine the role of this variant in disease. Therefore, it has been classified as a Variant of Uncertain Significance.